The following is an entry in ClinVar:

ClinVar aggregate classification (germline): Uncertain significance (1 of 4 stars; one submission).

gnomAD v4.1: 2 of 1,614,058 alleles (0.00012%); highest among the groups gnomAD compares: Admixed American, 0.0033%; no homozygotes.

Submission:

GeneDx
Classification: Uncertain significance. Last evaluated: 2025-07-11. Review status: criteria provided, single submitter. Criteria: GeneDx Variant Classification Process June 2021. Collection method: clinical testing. Allele origin: germline. Affected: yes.
Comment: Not observed at significant frequency in large population cohorts (gnomAD); In silico analysis suggests that this missense variant does not alter protein structure/function; Has not been previously published as pathogenic or benign to our knowledge

NM_005886.3(KATNB1):c.1256A>G (p.Lys419Arg)

Gene: KATNB1 (katanin regulatory subunit B1; plus strand). Cytogenetic location: 16q21.
Variant type: single nucleotide variant.
Coding change: c.1256A>G on transcript NM_005886.3 (MANE Select); coding-DNA position 1256, A replaced by G.
Protein change: p.Lys419Arg; replaces lysine 419 with arginine.
Molecular consequence: missense variant.
Genome position (GRCh38, 1-based): chr16:57,754,957, A>G. VCF-style: chr16-57754957-A-G. GRCh37 (hg19) VCF-style: chr16-57788869-A-G.
Other names: short protein forms K419R.
Identifiers: ClinVar variation 4685048 (VCV004685048.1).